The following is an entry in ClinVar:

NM_002519.3(NPAT):c.4168A>C (p.Thr1390Pro)

Gene: NPAT (nuclear protein, coactivator of histone transcription; minus strand). Cytogenetic location: 11q22.3.
Variant type: single nucleotide variant.
Coding change: c.4168A>C on transcript NM_002519.3 (MANE Select); coding-DNA position 4168, A replaced by C.
Protein change: p.Thr1390Pro; replaces threonine 1390 with proline.
Molecular consequence: missense variant.
Genome position (GRCh38, 1-based): chr11:108,160,918, T>G on the plus strand (A>C on the coding strand, the complement: NPAT is on the minus strand). VCF-style: chr11-108160918-T-G. GRCh37 (hg19) VCF-style: chr11-108031645-T-G.
Other names: c.4189A>C, p.Thr1397Pro (NM_001321307.1); short protein forms T1390P, T1397P.
Identifiers: ClinVar variation 1738385 (VCV001738385.2), dbSNP rs2496692819, ClinGen allele CA382509224.
Genomic context (GRCh38, chr11:108,160,918, plus strand): 5'-AAATTAAAACTTTCAAACTTGCCTTAATTTTCTTCTTTTTCATTGGTATTGATGAATTTG[T>G]AAGATTTTTACTAGAAGGACGAGAGTTTCGCTCACGTTCATCTAATTCCTCAATTTTCCG-3'
Protein context (NP_002510.2, residues 1380-1400): RNSRPSSKNL[Thr1390Pro]NSSIPMKKKK

ClinVar aggregate classification (germline): Uncertain significance (1 of 4 stars; one submission).

Submission:

Ambry Genetics
Classification: Uncertain significance. Last evaluated: 2021-08-14. Review status: criteria provided, single submitter. Criteria: Ambry Variant Classification Scheme 2023. Collection method: clinical testing. Allele origin: germline.
Comment: The p.T1390P variant (also known as c.4168A>C), located in coding exon 17 of the NPAT gene, results from an A to C substitution at nucleotide position 4168. The threonine at codon 1390 is replaced by proline, an amino acid with highly similar properties. This amino acid position is conserved. In addition, this alteration is predicted to be tolerated by in silico analysis. Since supporting evidence is limited at this time, the clinical significance of this alteration remains unclear.